The following is an entry in ClinVar:

ClinVar aggregate classification (germline): Uncertain significance. Review status: criteria provided, multiple submitters, no conflicts (2 of 4 stars). 2 submissions from 2 submitters: Uncertain significance (2). Last evaluated 2026-02-19.

Conditions:
Familial sleep-related hypermotor epilepsy. Also called: Autosomal Dominant Sleep-Related Hypermotor (Hyperkinetic) Epilepsy. Identifiers: Orphanet 98784, MedGen C3696898, MONDO:0000030.

Submissions (2):

GeneDx
Classification: Uncertain significance. Last evaluated: 2026-02-19. Review status: criteria provided, single submitter. Criteria: GeneDx Variant Classification Process June 2021. Collection method: clinical testing. Allele origin: germline.
Comment: Not observed at significant frequency in large population cohorts (gnomAD); In silico analysis suggests that this missense variant does not alter protein structure/function; Has not been previously published as pathogenic or benign to our knowledge

Labcorp Genetics (formerly Invitae), Labcorp
Classification: Uncertain significance. Last evaluated: 2022-12-13. Review status: criteria provided, single submitter. Criteria: Invitae Variant Classification Sherloc (09022015). Collection method: clinical testing. Allele origin: germline.
Comment: In summary, the available evidence is currently insufficient to determine the role of this variant in disease. Therefore, it has been classified as a Variant of Uncertain Significance. Advanced modeling of protein sequence and biophysical properties (such as structural, functional, and spatial information, amino acid conservation, physicochemical variation, residue mobility, and thermodynamic stability) performed at Invitae indicates that this missense variant is not expected to disrupt CHRNA4 protein function. This variant has not been reported in the literature in individuals affected with CHRNA4-related conditions. This variant is not present in population databases (gnomAD no frequency). This sequence change replaces valine, which is neutral and non-polar, with isoleucine, which is neutral and non-polar, at codon 62 of the CHRNA4 protein (p.Val62Ile).

NM_000744.7(CHRNA4):c.184G>A (p.Val62Ile)

Gene: CHRNA4 (cholinergic receptor nicotinic alpha 4 subunit; minus strand). Cytogenetic location: 20q13.33.
Variant type: single nucleotide variant.
Coding change: c.184G>A on transcript NM_000744.7 (MANE Select); coding-DNA position 184, G replaced by A.
Protein change: p.Val62Ile; replaces valine 62 with isoleucine.
Molecular consequence: missense variant. On other transcripts: 5 prime UTR variant (1), non-coding transcript variant (1).
Genome position (GRCh38, 1-based): chr20:63,359,592, C>T on the plus strand (G>A on the coding strand, the complement: CHRNA4 is on the minus strand). VCF-style: chr20-63359592-C-T. GRCh37 (hg19) VCF-style: chr20-61990944-C-T.
Other names: c.-363G>A (NM_001256573.2); c.184G>A (NM_000744.5); short protein forms V62I.
Identifiers: ClinVar variation 2820564 (VCV002820564.4), dbSNP rs2516573166, ClinGen allele CA409643339.